The following is an entry in ClinVar:

ClinVar aggregate classification (germline): Conflicting classifications of pathogenicity. Review status: criteria provided, conflicting classifications (1 of 4 stars). 2 submissions from 2 submitters: Likely pathogenic (1); Uncertain significance (1). Last evaluated 2022-07-17.

Conditions:
Autosomal dominant limb-girdle muscular dystrophy type 1F (LGMDD2). Also called: Limb-girdle muscular dystrophy, type 1F; MUSCULAR DYSTROPHY, LIMB-GIRDLE, AUTOSOMAL DOMINANT 2. Identifiers: Orphanet 55595, MedGen C1842062, MONDO:0012034, OMIM 608423.

Allele frequency attached by ClinVar (database versions not stated): gnomAD 0.00001.
gnomAD v4.1: 1 of 1,610,446 alleles (0.000062%); highest among the groups gnomAD compares: Non-Finnish European, 0.000085%; no homozygotes.

Submissions (2):

Labcorp Genetics (formerly Invitae), Labcorp
Classification: Uncertain significance for Autosomal dominant limb-girdle muscular dystrophy type 1F. Last evaluated: 2022-07-17. Review status: criteria provided, single submitter. Criteria: Invitae Variant Classification Sherloc (09022015). Collection method: clinical testing. Allele origin: germline.
Comment: This sequence change replaces alanine, which is neutral and non-polar, with valine, which is neutral and non-polar, at codon 445 of the TNPO3 protein (p.Ala445Val). In summary, the available evidence is currently insufficient to determine the role of this variant in disease. Therefore, it has been classified as a Variant of Uncertain Significance. Algorithms developed to predict the effect of missense changes on protein structure and function (SIFT, PolyPhen-2, Align-GVGD) all suggest that this variant is likely to be tolerated. ClinVar contains an entry for this variant (Variation ID: 802367). This variant has not been reported in the literature in individuals affected with TNPO3-related conditions. This variant is not present in population databases (gnomAD no frequency).

Mendelics
Classification: Likely pathogenic for Autosomal dominant limb-girdle muscular dystrophy type 1F. Last evaluated: 2019-05-28. Review status: criteria provided, single submitter. Criteria: Mendelics Assertion Criteria 2017. Collection method: clinical testing. Allele origin: unknown.

NM_012470.4(TNPO3):c.1334C>T (p.Ala445Val)

Gene: TNPO3 (transportin 3; minus strand). Cytogenetic location: 7q32.1.
Variant type: single nucleotide variant.
Coding change: c.1334C>T on transcript NM_012470.4 (MANE Select); coding-DNA position 1334, C replaced by T.
Protein change: p.Ala445Val; replaces alanine 445 with valine.
Molecular consequence: missense variant. On other transcripts: non-coding transcript variant (16).
Genome position (GRCh38, 1-based): chr7:128,992,023, G>A on the plus strand (C>T on the coding strand, the complement: TNPO3 is on the minus strand). VCF-style: chr7-128992023-G-A. GRCh37 (hg19) VCF-style: chr7-128632077-G-A.
Other names: c.1334C>T, p.Ala445Val (NM_001191028.3, NM_001382216.1, NM_001382218.1 and 2 more transcripts); c.1415C>T, p.Ala472Val (NM_001382217.1); c.1226C>T, p.Ala409Val (NM_001382219.1); c.1190C>T, p.Ala397Val (NM_001382221.1); c.1187C>T, p.Ala396Val (NM_001382222.1); short protein forms A445V, A396V, A397V, A409V, A472V.
Identifiers: ClinVar variation 802367 (VCV000802367.7), dbSNP rs1585339231, ClinGen allele CA369231335.
Genomic context (GRCh38, chr7:128,992,023, plus strand): 5'-TTAGAGTTCCCAGCAAAAGACTTATGAGACACTCACGGATCAACACTCTTTGCTATAGCA[G>A]CCATGATAAAGAGAACCGCTTCTGTCACCTCCCAGGGTGGGTTGCCTTCTTTCAGAGTAG-3'
Protein context (NP_036602.1, residues 435-455): EVTEAVLFIM[Ala445Val]AIAKSVDPEN